The following is an entry in ClinVar:

NM_005458.8(GABBR2):c.2618G>A (p.Arg873Gln)

Gene: GABBR2 (gamma-aminobutyric acid type B receptor subunit 2; minus strand). Cytogenetic location: 9q22.33.
Variant type: single nucleotide variant.
Coding change: c.2618G>A on transcript NM_005458.8 (MANE Select); coding-DNA position 2618, G replaced by A.
Protein change: p.Arg873Gln; replaces arginine 873 with glutamine.
Molecular consequence: missense variant.
Genome position (GRCh38, 1-based): chr9:98,293,827, C>T on the plus strand (G>A on the coding strand, the complement: GABBR2 is on the minus strand). VCF-style: chr9-98293827-C-T. GRCh37 (hg19) VCF-style: chr9-101056109-C-T.
Other names: short protein forms R873Q.
Identifiers: ClinVar variation 833536 (VCV000833536.12), dbSNP rs368856308, ClinGen allele CA5152418.
Genomic context (GRCh38, chr9:98,293,827, plus strand): 5'-CAAGGAGAAGGTACTTACTGTTCTGGAGAGTTTATATCTTCTATAGGATCTTTGCATGTT[C>T]GAGAGGGCTCTGTTGTGTTCCACTGTAGCTGGGGATTTTGATCGAGGTGATTTTTTAAAA-3'
Protein context (NP_005449.5, residues 863-883): QLQWNTTEPS[Arg873Gln]TCKDPIEDIN

ClinVar aggregate classification (germline): Likely benign. Review status: criteria provided, multiple submitters, no conflicts (2 of 4 stars). 3 submissions from 3 submitters: Likely benign (3). Last evaluated 2026-08-03.

Conditions:
Epileptic encephalopathy. Identifiers: MedGen C0543888, HP:0200134.
GABBR2-related disorder. Also called: GABBR2-related disorders; GABBR2-related condition.
Inborn genetic diseases. Identifiers: MedGen C0950123, MeSH D030342.

Allele frequency attached by ClinVar (database versions not stated): gnomAD 0.00004 and 0.00005; TOPMed 0.00005; ExAC 0.00007; gnomAD exomes 0.00007; 1000 Genomes Project 0.00020; 1000 Genomes Project 30x 0.00031.
gnomAD v4.1: 70 of 1,610,504 alleles (0.0043%); highest among the groups gnomAD compares: East Asian, 0.025%; no homozygotes.

Submissions (3):

PreventionGenetics, part of Exact Sciences
Classification: Likely benign for GABBR2-related condition. Last evaluated: 2026-08-03. Review status: criteria provided, single submitter. Criteria: ACMG Guidelines, 2015. Collection method: clinical testing. Allele origin: germline.
Comment: This variant is classified as likely benign based on ACMG/AMP sequence variant interpretation guidelines (Richards et al. 2015 PMID: 25741868, with internal and published modifications).

Labcorp Genetics (formerly Invitae), Labcorp
Classification: Likely benign for Epileptic encephalopathy. Last evaluated: 2026-01-24. Review status: criteria provided, single submitter. Criteria: Invitae Variant Classification Sherloc (09022015). Collection method: clinical testing. Allele origin: germline.

Ambry Genetics
Classification: Likely benign for Inborn genetic diseases. Last evaluated: 2023-03-17. Review status: criteria provided, single submitter. Criteria: Ambry Variant Classification Scheme 2023. Collection method: clinical testing. Allele origin: germline.